The following is an entry in ClinVar:

ClinVar aggregate classification (germline): Uncertain significance (1 of 4 stars; one submission).

Submission:

Women's Health and Genetics/Laboratory Corporation of America, LabCorp
Classification: Uncertain significance. Last evaluated: 2023-09-07. Review status: criteria provided, single submitter. Criteria: LabCorp Variant Classification Summary - May 2015. Collection method: clinical testing. Allele origin: germline.
Comment: Variant summary: The variant identified by MLPA or other technology involves the duplication of exons 1-11 (i.e. the full coding sequence) of the PRKAR1A gene. A presumed nomenclature of c.(?_-177)_(*2983_?)dup has been designated for the purposes of this classification. It has been assumed that this is a tandem duplication in direct orientation (Richardson_GIM_2018, Newman_AJHG_2015). Since exact breakpoints of this duplication are not known, it might extend beyond the assayed region of the PRKAR1A gene, including other flanking genes. The variant was absent in 21694 control chromosomes (gnomAD, structural variant dataset). The available data on variant occurrences in the general population are insufficient to allow any conclusion about variant significance. To our knowledge, no occurrence of c.(?_-177)_(*2983_?)dup in individuals affected with Carney Complex or other PRKAR1A-related disorders and no experimental evidence demonstrating its impact on protein function have been reported. No submitters have cited clinical-significance assessments for this variant to ClinVar after 2014. Based on the evidence outlined above, the variant was classified as uncertain significance.

NC_000017.10:g.(?_66508519)_(66529573_?)dup

Gene: PRKAR1A (protein kinase cAMP-dependent type I regulatory subunit alpha; plus strand). Cytogenetic location: 17q24.2.
Variant type: Duplication.
Identifiers: ClinVar variation 2627149 (VCV002627149.1).